The following is an entry in ClinVar:

NM_080605.4(B3GALT6):c.749C>G (p.Ala250Gly)

Gene: B3GALT6 (beta-1,3-galactosyltransferase 6; plus strand). Cytogenetic location: 1p36.33.
Variant type: single nucleotide variant.
Coding change: c.749C>G on transcript NM_080605.4 (MANE Select); coding-DNA position 749, C replaced by G.
Protein change: p.Ala250Gly; replaces alanine 250 with glycine.
Molecular consequence: missense variant.
Genome position (GRCh38, 1-based): chr1:1,233,027, C>G. VCF-style: chr1-1233027-C-G. GRCh37 (hg19) VCF-style: chr1-1168407-C-G.
Other names: short protein forms A250G.
Identifiers: ClinVar variation 1521527 (VCV001521527.8), dbSNP rs2100994545, ClinGen allele CA337829121.

ClinVar aggregate classification (germline): Uncertain significance (1 of 4 stars; one submission).

Conditions:
Spondyloepimetaphyseal dysplasia with joint laxity (SEMDJL). Identifiers: MedGen C0432243, MONDO:0019675.
Ehlers-Danlos syndrome, spondylodysplastic type, 2 (EDSSPD2). Also called: Ehlers-Danlos syndrome, progeroid type, 2. Identifiers: Orphanet 536467, Orphanet 75496, MedGen C3809210, MONDO:0014139, OMIM 615349.

Submission:

Labcorp Genetics (formerly Invitae), Labcorp
Classification: Uncertain significance for Ehlers-Danlos syndrome, spondylodysplastic type, 2; Spondyloepimetaphyseal dysplasia with joint laxity. Last evaluated: 2021-05-05. Review status: criteria provided, single submitter. Criteria: Invitae Variant Classification Sherloc (09022015). Collection method: clinical testing. Allele origin: germline.
Comment: In summary, the available evidence is currently insufficient to determine the role of this variant in disease. Therefore, it has been classified as a Variant of Uncertain Significance. Algorithms developed to predict the effect of missense changes on protein structure and function (SIFT, PolyPhen-2, Align-GVGD) all suggest that this variant is likely to be tolerated, but these predictions have not been confirmed by published functional studies and their clinical significance is uncertain. This variant has not been reported in the literature in individuals with B3GALT6-related conditions. The frequency data for this variant in the population databases is considered unreliable, as metrics indicate insufficient coverage at this position in the ExAC database. This sequence change replaces alanine with glycine at codon 250 of the B3GALT6 protein (p.Ala250Gly). The alanine residue is highly conserved and there is a small physicochemical difference between alanine and glycine.